The following is an entry in ClinVar:

NM_001379081.2(FREM1):c.5155G>A (p.Val1719Met)

Gene: FREM1 (FRAS1 related extracellular matrix 1; minus strand). Cytogenetic location: 9p22.3.
Variant type: single nucleotide variant.
Coding change: c.5155G>A on transcript NM_001379081.2 (MANE Select); coding-DNA position 5155, G replaced by A.
Protein change: p.Val1719Met; replaces valine 1719 with methionine.
Molecular consequence: missense variant. On other transcripts: non-coding transcript variant (1).
Genome position (GRCh38, 1-based): chr9:14,769,773, C>T on the plus strand (G>A on the coding strand, the complement: FREM1 is on the minus strand). VCF-style: chr9-14769773-C-T. GRCh37 (hg19) VCF-style: chr9-14769771-C-T.
Other names: c.763G>A, p.Val255Met (NM_001177704.3, NM_001370058.2, NM_001370061.2); c.5155G>A, p.Val1719Met (NM_144966.7); short protein forms V1719M, V255M.
Identifiers: ClinVar variation 497702 (VCV000497702.16), dbSNP rs201617511, ClinGen allele CA4989882.
Genomic context (GRCh38, chr9:14,769,773, plus strand): 5'-AGAGAATTTACATTTGAGGAGTGGCCGAGTTCCCTGTGGGGTCCATGATTTGAAATTCCA[C>T]GGTATCTGAATTTACTTCCAAAGATGGGTTTATGATGTAAAGAATAGTCTTACTGTTTAA-3'
Protein context (NP_001366010.1, residues 1709-1729): NPSLEVNSDT[Val1719Met]EFQIMDPTGN

ClinVar aggregate classification (germline): Conflicting classifications of pathogenicity. Review status: criteria provided, conflicting classifications (1 of 4 stars). 5 submissions from 5 submitters: Uncertain significance (4); Likely benign (1). Last evaluated 2025-10-02.

Conditions:
Trigonocephaly 2 (TRIGNO2). Identifiers: Orphanet 3366, MedGen C3280974, MONDO:0013774, OMIM 614485.
BNAR syndrome. Also called: Bifid Nose With or Without Anorectal and Renal Anomalies (BNAR) Syndrome. Identifiers: Orphanet 217266, MedGen C2750433, MONDO:0012165, OMIM 608980.
Oculotrichoanal syndrome (MOTA). Also called: MARLES SYNDROME; Manitoba Oculotrichoanal (MOTA) Syndrome. Identifiers: Orphanet 2717, MedGen C1855425, MONDO:0009560, OMIM 248450.

Allele frequency attached by ClinVar (database versions not stated): gnomAD exomes 0.00020; gnomAD 0.00011; ExAC 0.00017; TOPMed 0.00014; ESP Exome Variant Server 0.00025.
gnomAD v4.1: 153 of 1,610,150 alleles (0.0095%); highest among the groups gnomAD compares: African/African-American, 0.02%; no homozygotes.

Submissions (5):

GeneDx
Classification: Uncertain significance. Last evaluated: 2025-10-02. Review status: criteria provided, single submitter. Criteria: GeneDx Variant Classification Process June 2021. Collection method: clinical testing. Allele origin: germline.
Comment: In silico analysis suggests that this missense variant does not alter protein structure/function; Has not been previously published as pathogenic or benign to our knowledge

Fulgent Genetics
Classification: Uncertain significance for Oculotrichoanal syndrome; BNAR syndrome; Trigonocephaly 2. Last evaluated: 2024-04-20. Review status: criteria provided, single submitter. Criteria: ACMG Guidelines, 2015. Collection method: clinical testing. Allele origin: germline.

Labcorp Genetics (formerly Invitae), Labcorp
Classification: Likely benign. Last evaluated: 2022-11-20. Review status: criteria provided, single submitter. Criteria: Invitae Variant Classification Sherloc (09022015). Collection method: clinical testing. Allele origin: germline.

Illumina Laboratory Services, Illumina
Classification: Uncertain significance for Oculotrichoanal syndrome. Last evaluated: 2018-01-13. Review status: criteria provided, single submitter. Criteria: ICSL Variant Classification Criteria 13 December 2019. Collection method: clinical testing. Allele origin: germline.

Eurofins Ntd Llc (ga)
Classification: Uncertain significance. Last evaluated: 2016-11-01. Review status: criteria provided, single submitter. Criteria: EGL Classification Definitions 2015. Collection method: clinical testing. Allele origin: germline. Observed: 1 variant allele, 1 heterozygote.